The following is an entry in ClinVar:

NM_172362.3(KCNH1):c.889G>A (p.Val297Met)

Gene: KCNH1 (potassium voltage-gated channel subfamily H member 1; minus strand). Cytogenetic location: 1q32.2.
Variant type: single nucleotide variant.
Coding change: c.889G>A on transcript NM_172362.3 (MANE Select); coding-DNA position 889, G replaced by A.
Protein change: p.Val297Met; replaces valine 297 with methionine.
Molecular consequence: missense variant.
Genome position (GRCh38, 1-based): chr1:211,018,926, C>T on the plus strand (G>A on the coding strand, the complement: KCNH1 is on the minus strand). VCF-style: chr1-211018926-C-T. GRCh37 (hg19) VCF-style: chr1-211192268-C-T.
Other names: c.889G>A, p.Val297Met (NM_002238.4); short protein forms V297M.
Identifiers: ClinVar variation 1306445 (VCV001306445.6), dbSNP rs759855987, ClinGen allele CA1379954.

ClinVar aggregate classification (germline): Uncertain significance. Review status: criteria provided, multiple submitters, no conflicts (2 of 4 stars). 2 submissions from 2 submitters: Uncertain significance (2). Last evaluated 2025-08-20.

Allele frequency attached by ClinVar (database versions not stated): ExAC 0.00001; gnomAD 0.00001; gnomAD exomes 0.00001 and 0.00002; TOPMed 0.00002.
gnomAD v4.1: 39 of 1,613,960 alleles (0.0024%); highest among the groups gnomAD compares: Non-Finnish European, 0.0031%; no homozygotes.

Submissions (2):

Labcorp Genetics (formerly Invitae), Labcorp
Classification: Uncertain significance. Last evaluated: 2025-08-20. Review status: criteria provided, single submitter. Criteria: Invitae Variant Classification Sherloc (09022015). Collection method: clinical testing. Allele origin: germline.
Comment: This sequence change replaces valine, which is neutral and non-polar, with methionine, which is neutral and non-polar, at codon 297 of the KCNH1 protein (p.Val297Met). This variant is present in population databases (rs759855987, gnomAD 0.004%). This variant has not been reported in the literature in individuals affected with KCNH1-related conditions. ClinVar contains an entry for this variant (Variation ID: 1306445). Invitae Evidence Modeling of protein sequence and biophysical properties (such as structural, functional, and spatial information, amino acid conservation, physicochemical variation, residue mobility, and thermodynamic stability) has been performed for this missense variant. However, the output from this modeling did not meet the statistical confidence thresholds required to predict the impact of this variant on KCNH1 protein function. In summary, the available evidence is currently insufficient to determine the role of this variant in disease. Therefore, it has been classified as a Variant of Uncertain Significance.

GeneDx
Classification: Uncertain significance. Last evaluated: 2019-06-11. Review status: criteria provided, single submitter. Criteria: GeneDx Variant Classification Process June 2021. Collection method: clinical testing. Allele origin: germline. Affected: yes.
Comment: In silico analysis, which includes protein predictors and evolutionary conservation, supports that this variant does not alter protein structure/function; Has not been previously published as pathogenic or benign to our knowledge